The following is an entry in ClinVar:

NM_007059.4(KPTN):c.992A>G (p.Tyr331Cys)

Gene: KPTN (kaptin, actin binding protein; minus strand). Cytogenetic location: 19q13.32.
Variant type: single nucleotide variant.
Coding change: c.992A>G on transcript NM_007059.4 (MANE Select); coding-DNA position 992, A replaced by G.
Protein change: p.Tyr331Cys; replaces tyrosine 331 with cysteine.
Molecular consequence: missense variant. On other transcripts: non-coding transcript variant (1).
Genome position (GRCh38, 1-based): chr19:47,476,810, T>C on the plus strand (A>G on the coding strand, the complement: KPTN is on the minus strand). VCF-style: chr19-47476810-T-C. GRCh37 (hg19) VCF-style: chr19-47980067-T-C.
Other names: c.824A>G, p.Tyr275Cys (NM_001291296.2); short protein forms Y275C, Y331C.
Identifiers: ClinVar variation 1805859 (VCV001805859.1), dbSNP rs200822662, ClinGen allele CA406600787.

ClinVar aggregate classification (germline): Uncertain significance (1 of 4 stars; one submission).

Conditions:
Macrocephaly-developmental delay syndrome (MRT41). Also called: INTELLECTUAL DEVELOPMENTAL DISORDER, AUTOSOMAL RECESSIVE 41. Identifiers: Orphanet 397612, MedGen C3810225, MONDO:0014289, OMIM 615637.

gnomAD v4.1: 10 of 1,589,146 alleles (0.00063%); highest among the groups gnomAD compares: Admixed American, 0.0018%; no homozygotes.

Submission:

Victorian Clinical Genetics Services, Murdoch Childrens Research Institute
Classification: Uncertain significance for Macrocephaly-developmental delay syndrome. Last evaluated: 2020-10-19. Review status: criteria provided, single submitter. Criteria: ACMG Guidelines, 2015. Collection method: clinical testing. Allele origin: germline. Inheritance: Autosomal recessive inheritance.
Comment: Based on the classification scheme VCGS_Germline_v1.3.4, this variant is classified as 3B-VUS. Following criteria are met: 0102 - Loss of function is a known mechanism of disease in this gene and is associated with KPTN-related neurodevelopmental disorder. (I) 0106 - This gene is associated with autosomal recessive disease. (I) 0200 - Variant is predicted to result in a missense amino acid change from tyrosine to cysteine. (I) 0251 - This variant is heterozygous. (I) 0304 - Variant is present in gnomAD <0.01 for a recessive condition (v2: 2 heterozygotes, 0 homozygotes). (SP) 0309 - An alternative amino acid change at the same position has been observed in gnomAD (v3: 33 heterozygotes, 0 homozygotes. (I) 0501 - Missense variant consistently predicted to be damaging by multiple in silico tools or highly conserved with a major amino acid change. (SP) 0600 - Variant is located in the annotated VCBS superfamily domain (NCBI). (I) 0705 - No comparable missense variants have previous evidence for pathogenicity. (I) 0807 - This variant has no previous evidence of pathogenicity. (I) 0905 - No published segregation evidence has been identified for this variant. (I) 1007 - No published functional evidence has been identified for this variant. (I) 1208 - Inheritance information for this variant is not currently available in this individual. (I) Legend: (SP) - Supporting pathogenic, (I) - Information, (SB) - Supporting benign